The following is an entry in ClinVar:

NM_014780.5(CUL7):c.1144C>T (p.Arg382Ter)

Gene: CUL7 (cullin 7; minus strand). Cytogenetic location: 6p21.1.
Variant type: single nucleotide variant.
Coding change: c.1144C>T on transcript NM_014780.5 (MANE Select); coding-DNA position 1144, C replaced by T.
Protein change: p.Arg382Ter; replaces arginine 382 with a stop codon.
Molecular consequence: nonsense.
Genome position (GRCh38, 1-based): chr6:43,051,057, G>A on the plus strand (C>T on the coding strand, the complement: CUL7 is on the minus strand). VCF-style: chr6-43051057-G-A. GRCh37 (hg19) VCF-style: chr6-43018795-G-A.
Other names: c.1240C>T, p.Arg414Ter (NM_001168370.2, NM_001374872.1); c.1144C>T, p.Arg382Ter (NM_001374873.1, NM_001374874.1); short protein forms R414*, R382*.
Identifiers: ClinVar variation 800989 (VCV000800989.7), dbSNP rs1023630527, ClinGen allele CA138251269.

ClinVar aggregate classification (germline): Pathogenic. Review status: criteria provided, multiple submitters, no conflicts (2 of 4 stars). 3 submissions from 3 submitters: Pathogenic (2). 1 of the submissions does not count toward it. Last evaluated 2023-05-17.

Conditions:
3M syndrome 1. Also called: 3-M Syndrome, CUL7-Related. Identifiers: Orphanet 2616, MedGen C2678312, MONDO:0010117, OMIM 273750.

Allele frequency attached by ClinVar (database versions not stated): gnomAD exomes below 0.00001; gnomAD 0.00001; TOPMed 0.00001.

Submissions (3):

Laboratory of Medical Genetics, National & Kapodistrian University of Athens
Classification: Pathogenic for 3M syndrome 1. Last evaluated: 2023-05-17. Review status: criteria provided, single submitter. Criteria: ACMG Guidelines, 2015. Collection method: clinical testing. Allele origin: germline. Affected: yes.
Comment: PVS1, PM2, PP5 - The variant has been reported in ClinVar as Pathogenic (Variation ID: 800989). It is expected to result in an absent or disrupted protein product. Low frequency in gnomAD population databases. Loss-of-function variants in CUL7 are known to be pathogenic (PMID:19225462).

Labcorp Genetics (formerly Invitae), Labcorp
Classification: Pathogenic. Last evaluated: 2022-06-27. Review status: criteria provided, single submitter. Criteria: Invitae Variant Classification Sherloc (09022015). Collection method: clinical testing. Allele origin: germline.
Comment: ClinVar contains an entry for this variant (Variation ID: 800989). For these reasons, this variant has been classified as Pathogenic. Algorithms developed to predict the effect of sequence changes on RNA splicing suggest that this variant may create or strengthen a splice site. This premature translational stop signal has been observed in individual(s) with 3M syndrome (PMID: 22325252). The frequency data for this variant in the population databases is considered unreliable, as metrics indicate poor data quality at this position in the gnomAD database. This sequence change creates a premature translational stop signal (p.Arg382*) in the CUL7 gene. It is expected to result in an absent or disrupted protein product. Loss-of-function variants in CUL7 are known to be pathogenic (PMID: 16142236, 17675530, 19225462).

Biochemical Molecular Genetic Laboratory, King Abdulaziz Medical City
Classification: Uncertain significance for 3M syndrome 1. Last evaluated: 2019-09-26. Review status: no assertion criteria provided. Collection method: clinical testing. Allele origin: germline. Affected: yes. Not counted in ClinVar's aggregate classification.

Literature cited by the submitters: PubMed 22325252 (cited by Labcorp Genetics (formerly Invitae), Labcorp); PubMed 16142236 (cited by Labcorp Genetics (formerly Invitae), Labcorp); PubMed 17675530 (cited by Labcorp Genetics (formerly Invitae), Labcorp); PubMed 19225462 (cited by Labcorp Genetics (formerly Invitae), Labcorp).